The following is an entry in ClinVar:

NM_001040108.2(MLH3):c.1798C>T (p.Arg600Ter)

Gene: MLH3 (mutL homolog 3; minus strand). Cytogenetic location: 14q24.3.
Variant type: single nucleotide variant.
Coding change: c.1798C>T on transcript NM_001040108.2 (MANE Select); coding-DNA position 1798, C replaced by T.
Protein change: p.Arg600Ter; replaces arginine 600 with a stop codon.
Molecular consequence: nonsense.
Genome position (GRCh38, 1-based): chr14:75,047,858, G>A on the plus strand (C>T on the coding strand, the complement: MLH3 is on the minus strand). VCF-style: chr14-75047858-G-A. GRCh37 (hg19) VCF-style: chr14-75514561-G-A.
Other names: c.1798C>T, p.Arg600Ter (NM_014381.3); short protein forms R600*.
Identifiers: ClinVar variation 1412459 (VCV001412459.12), dbSNP rs927878214, ClinGen allele CA263652789.

ClinVar aggregate classification (germline): Conflicting classifications of pathogenicity. Review status: criteria provided, conflicting classifications (1 of 4 stars). 4 submissions from 4 submitters: Pathogenic (2); Uncertain significance (2). Last evaluated 2026-04-13.

Conditions:
Endometrial carcinoma. Also called: Endometrial carcinoma, somatic. Identifiers: MedGen C0476089, MONDO:0002447, OMIM 608089, HP:0012114.
Colorectal cancer. Also called: Colorectal cancer, somatic; Malignant Colorectal Neoplasm. Identifiers: MedGen C0346629, MONDO:0005575, OMIM 114500.
Colorectal cancer, hereditary nonpolyposis, type 7. Identifiers: Orphanet 144, MedGen C1858380, MONDO:0013725, OMIM 614385.

Allele frequency attached by ClinVar (database versions not stated): gnomAD 0.00001 and 0.00002; gnomAD exomes below 0.00001; TOPMed 0.00002.
gnomAD v4.1: 17 of 1,612,656 alleles (0.0011%); highest among the groups gnomAD compares: Non-Finnish European, 0.0014%; no homozygotes.

Submissions (4):

Ambry Genetics
Classification: Pathogenic. Last evaluated: 2026-04-13. Review status: criteria provided, single submitter. Criteria: Ambry Variant Classification Scheme 2023. Collection method: clinical testing. Allele origin: germline.
Comment: The p.R600* variant (also known as c.1798C>T), located in coding exon 1 of the MLH3 gene, results from a C to T substitution at nucleotide position 1798. This changes the amino acid from an arginine to a stop codon within coding exon 1. This alteration is expected to result in loss of function by premature protein truncation or nonsense-mediated mRNA decay. As such, this alteration is interpreted as a disease-causing mutation.

Myriad Genetics, Inc.
Classification: Pathogenic for Colorectal cancer, hereditary nonpolyposis, type 7. Last evaluated: 2025-11-26. Review status: criteria provided, single submitter. Criteria: Myriad Autosomal Dominant, Autosomal Recessive and X-Linked Classification Criteria (2023). Collection method: clinical testing. Allele origin: unknown.
Comment: This variant is considered pathogenic. This variant creates a termination codon and is predicted to result in premature protein truncation.

Labcorp Genetics (formerly Invitae), Labcorp
Classification: Uncertain significance for Colorectal cancer, hereditary nonpolyposis, type 7. Last evaluated: 2025-06-14. Review status: criteria provided, single submitter. Criteria: Invitae Variant Classification Sherloc (09022015). Collection method: clinical testing. Allele origin: germline.
Comment: This sequence change creates a premature translational stop signal (p.Arg600*) in the MLH3 gene. It is expected to result in an absent or disrupted protein product. However, the current clinical and genetic evidence is not sufficient to establish whether loss-of-function variants in MLH3 cause disease. This variant is present in population databases (no rsID available, gnomAD 0.002%). This variant has not been reported in the literature in individuals affected with MLH3-related conditions. ClinVar contains an entry for this variant (Variation ID: 1412459). In summary, the available evidence is currently insufficient to determine the role of this variant in disease. Therefore, it has been classified as a Variant of Uncertain Significance.

Fulgent Genetics
Classification: Uncertain significance for Colorectal cancer; Endometrial carcinoma; Colorectal cancer, hereditary nonpolyposis, type 7. Last evaluated: 2024-05-23. Review status: criteria provided, single submitter. Criteria: ACMG Guidelines, 2015. Collection method: clinical testing. Allele origin: germline.